The following is an entry in ClinVar:

NM_000660.7(TGFB1):c.1001C>T (p.Thr334Met)

Gene: TGFB1 (transforming growth factor beta 1; minus strand). Cytogenetic location: 19q13.2.
Variant type: single nucleotide variant.
Coding change: c.1001C>T on transcript NM_000660.7 (MANE Select); coding-DNA position 1001, C replaced by T.
Protein change: p.Thr334Met; replaces threonine 334 with methionine.
Molecular consequence: missense variant.
Genome position (GRCh38, 1-based): chr19:41,332,141, G>A on the plus strand (C>T on the coding strand, the complement: TGFB1 is on the minus strand). VCF-style: chr19-41332141-G-A. GRCh37 (hg19) VCF-style: chr19-41838046-G-A.
Other names: short protein forms T334M.
Identifiers: ClinVar variation 1911603 (VCV001911603.5), dbSNP rs753287325, ClinGen allele CA9459933.

ClinVar aggregate classification (germline): Uncertain significance (1 of 4 stars; one submission).

Allele frequency attached by ClinVar (database versions not stated): gnomAD exomes 0.00001; ExAC 0.00002; TOPMed 0.00005.
gnomAD v4.1: 20 of 1,613,772 alleles (0.0012%); highest among the groups gnomAD compares: African/African-American, 0.0027%; no homozygotes.

Submission:

Labcorp Genetics (formerly Invitae), Labcorp
Classification: Uncertain significance. Last evaluated: 2025-12-20. Review status: criteria provided, single submitter. Criteria: Invitae Variant Classification Sherloc (09022015). Collection method: clinical testing. Allele origin: germline.
Comment: This sequence change replaces threonine, which is neutral and polar, with methionine, which is neutral and non-polar, at codon 334 of the TGFB1 protein (p.Thr334Met). This variant is present in population databases (rs753287325, gnomAD 0.01%). This variant has not been reported in the literature in individuals affected with TGFB1-related conditions. ClinVar contains an entry for this variant (Variation ID: 1911603). Invitae Evidence Modeling of protein sequence and biophysical properties (such as structural, functional, and spatial information, amino acid conservation, physicochemical variation, residue mobility, and thermodynamic stability) indicates that this missense variant is expected to disrupt TGFB1 protein function with a positive predictive value of 80%. In summary, the available evidence is currently insufficient to determine the role of this variant in disease. Therefore, it has been classified as a Variant of Uncertain Significance.